The following is an entry in ClinVar:

ClinVar aggregate classification (germline): Uncertain significance (1 of 4 stars; one submission).

Submission:

Labcorp Genetics (formerly Invitae), Labcorp
Classification: Uncertain significance. Last evaluated: 2022-02-01. Review status: criteria provided, single submitter. Criteria: Invitae Variant Classification Sherloc (09022015). Collection method: clinical testing. Allele origin: germline.
Comment: In summary, the available evidence is currently insufficient to determine the role of this variant in disease. Therefore, it has been classified as a Variant of Uncertain Significance. This variant has not been reported in the literature in individuals affected with PHEX-related conditions. This variant results in a copy number gain of the genomic region encompassing exon(s) 16-22 of the PHEX gene. This region includes the termination codon of the gene. This copy number gain extends beyond the assayed region for this gene and therefore may encompass additional genes. As the precise location of this event is unknown, it may be in tandem or it may be located elsewhere in the genome.

NC_000023.10:g.(?_22231001)_(22266301_?)dup

Gene: PHEX (phosphate regulating endopeptidase X-linked; plus strand). Cytogenetic location: Xp22.11.
Variant type: Duplication.
Identifiers: ClinVar variation 1524735 (VCV001524735.5).